The following is an entry in ClinVar:

NM_001042492.3:c.(4724+1_4725-1)_(8377+1_8378-1)del

Gene: NF1 (neurofibromin 1; plus strand).
Variant type: Deletion.
Other names: c.(4724+1_4725-1)_(8377+1_8378-1)del (NM_001042492.3).
Identifiers: ClinVar variation 4857616 (VCV004857616.1).

ClinVar aggregate classification (germline): Pathogenic (1 of 4 stars; one submission).

Conditions:
Neurofibromatosis, type 1 (NF1). Also called: NEUROFIBROMATOSIS, TYPE I, SOMATIC; Peripheral type neurofibromatosis; Neurofibromatosis, type I; VON RECKLINGHAUSEN DISEASE. Identifiers: Orphanet 636, MedGen C0027831, MONDO:0018975, OMIM 162200. Disease mechanism: loss of function.

Submission:

Regional Center For Medical Genetics Timis, Louis Turcanu Emergency Hospital for Children Timisoara
Classification: Pathogenic for Neurofibromatosis, type 1. Review status: criteria provided, single submitter. Criteria: ACMG Guidelines, 2015. Collection method: clinical testing. Allele origin: unknown. Affected: yes.
Comment: This variant is a gross deletion of the genomic region encompassing exons 36-57 of the NF1 gene. The variant introduces a premature stop codon into the sequence, leading to loss of function as a consequence of the reading frame shift. Loss-of-function variants in NF1 are well established as pathogenic. The patient's phenotype is specific for NF1. For these reasons, this variant has been classified as pathogenic.